The following is an entry in ClinVar:

NM_000080.4(CHRNE):c.281G>T (p.Gly94Val)

Genes: C17orf107 (chromosome 17 open reading frame 107; plus strand), CHRNE (cholinergic receptor nicotinic epsilon subunit; minus strand). Cytogenetic location: 17p13.2.
Variant type: single nucleotide variant.
Coding change: c.281G>T on transcript NM_000080.4 (MANE Select); coding-DNA position 281, G replaced by T.
Protein change: p.Gly94Val; replaces glycine 94 with valine.
Molecular consequence: missense variant. On other transcripts: 3 prime UTR variant (1).
Genome position (GRCh38, 1-based): chr17:4,902,280, C>A on the plus strand (G>T on the coding strand, the complement: CHRNE is on the minus strand). VCF-style: chr17-4902280-C-A. GRCh37 (hg19) VCF-style: chr17-4805575-C-A.
Other names: c.*1747C>A (NM_001145536.2); short protein forms G94V.
Identifiers: ClinVar variation 2982227 (VCV002982227.3), dbSNP rs765267109, ClinGen allele CA397307136.
Genomic context (GRCh38, chr17:4,902,280, plus strand): 5'-TTTTCCAGCACAATCTCTGGCAGCCACACGAGTTCTGAAGGGACTCGCAGGGTTTCTATA[C>A]CCCCAAAGTCGTCCTTGCTGTAGTTGAGTCGGTAATCCTGCCAATCCTAAGGGGTGGGGG-3'
Protein context (NP_000071.1, residues 84-104): RLNYSKDDFG[Gly94Val]IETLRVPSEL

ClinVar aggregate classification (germline): Uncertain significance (1 of 4 stars; one submission).

Conditions:
Congenital myasthenic syndrome 4A. Also called: Myasthenic syndrome, congenital, 4a, slow-channel; MYASTHENIC SYNDROME, CONGENITAL, 4A, SLOW-CHANNEL, AUTOSOMAL RECESSIVE; CONGENITAL MYASTHENIC SYNDROME TYPE Ia1. Identifiers: Orphanet 590, MedGen C4225413, MONDO:0011600, OMIM 605809.

Allele frequency attached by ClinVar (database versions not stated): TOPMed below 0.00001.
gnomAD v4.1: 2 of 1,614,162 alleles (0.00012%); highest among the groups gnomAD compares: African/African-American, 0.0013%; no homozygotes.

Submission:

Labcorp Genetics (formerly Invitae), Labcorp
Classification: Uncertain significance for Congenital myasthenic syndrome 4A. Last evaluated: 2023-05-16. Review status: criteria provided, single submitter. Criteria: Invitae Variant Classification Sherloc (09022015). Collection method: clinical testing. Allele origin: germline.
Comment: In summary, the available evidence is currently insufficient to determine the role of this variant in disease. Therefore, it has been classified as a Variant of Uncertain Significance. Advanced modeling of protein sequence and biophysical properties (such as structural, functional, and spatial information, amino acid conservation, physicochemical variation, residue mobility, and thermodynamic stability) has been performed at Invitae for this missense variant, however the output from this modeling did not meet the statistical confidence thresholds required to predict the impact of this variant on CHRNE protein function. This variant has not been reported in the literature in individuals affected with CHRNE-related conditions. This variant is not present in population databases (gnomAD no frequency). This sequence change replaces glycine, which is neutral and non-polar, with valine, which is neutral and non-polar, at codon 94 of the CHRNE protein (p.Gly94Val).